The following is an entry in ClinVar:

ClinVar aggregate classification (germline): Uncertain significance (1 of 4 stars; one submission).

Allele frequency attached by ClinVar (database versions not stated): gnomAD exomes below 0.00001.
gnomAD v4.1: 2 of 1,614,182 alleles (0.00012%); highest among the groups gnomAD compares: Non-Finnish European, 0.00017%; no homozygotes.

Submission:

Labcorp Genetics (formerly Invitae), Labcorp
Classification: Uncertain significance. Last evaluated: 2023-07-17. Review status: criteria provided, single submitter. Criteria: Invitae Variant Classification Sherloc (09022015). Collection method: clinical testing. Allele origin: germline.
Comment: In summary, the available evidence is currently insufficient to determine the role of this variant in disease. Therefore, it has been classified as a Variant of Uncertain Significance. This sequence change replaces valine, which is neutral and non-polar, with methionine, which is neutral and non-polar, at codon 178 of the EMC1 protein (p.Val178Met). This variant is present in population databases (no rsID available, gnomAD 0.0009%). This variant has not been reported in the literature in individuals affected with EMC1-related conditions. ClinVar contains an entry for this variant (Variation ID: 1061387). Advanced modeling of protein sequence and biophysical properties (such as structural, functional, and spatial information, amino acid conservation, physicochemical variation, residue mobility, and thermodynamic stability) performed at Invitae indicates that this missense variant is not expected to disrupt EMC1 protein function.

NM_015047.3(EMC1):c.532G>A (p.Val178Met)

Gene: EMC1 (ER membrane protein complex subunit 1; minus strand). Cytogenetic location: 1p36.13.
Variant type: single nucleotide variant.
Coding change: c.532G>A on transcript NM_015047.3 (MANE Select); coding-DNA position 532, G replaced by A.
Protein change: p.Val178Met; replaces valine 178 with methionine.
Molecular consequence: missense variant.
Genome position (GRCh38, 1-based): chr1:19,241,120, C>T on the plus strand (G>A on the coding strand, the complement: EMC1 is on the minus strand). VCF-style: chr1-19241120-C-T. GRCh37 (hg19) VCF-style: chr1-19567614-C-T.
Other names: c.532G>A, p.Val178Met (NM_001271427.2, NM_001271428.2, NM_001375820.1 and 1 more transcripts); c.466G>A, p.Val156Met (NM_001271429.2); short protein forms V156M, V178M.
Identifiers: ClinVar variation 1061387 (VCV001061387.7), dbSNP rs1407744423, ClinGen allele CA338770251.